The following is an entry in ClinVar:

ClinVar aggregate classification (germline): Uncertain significance. Review status: criteria provided, multiple submitters, no conflicts (2 of 4 stars). 3 submissions from 3 submitters: Uncertain significance (3). Last evaluated 2025-07-01.

Conditions:
Malignant hyperthermia, susceptibility to, 1 (MHS1). Also called: Anesthesia related hyperthermia; Malignant hyperpyrexia; Fulminating hyperpyrexia; Pharmacogenic myopathy; RYR1-Related Malignant Hyperthermia Susceptibility; Malignant hyperthermia suceptibility 1. Identifiers: Orphanet 423, MedGen C2930980, MONDO:0007783, OMIM 145600.

Allele frequency attached by ClinVar (database versions not stated): gnomAD exomes below 0.00001.

Submissions (3):

Color Diagnostics, LLC DBA Color Health
Classification: Uncertain significance for Malignant hyperthermia, susceptibility to, 1. Last evaluated: 2025-07-01. Review status: criteria provided, single submitter. Criteria: ACMG Guidelines, 2015. Collection method: clinical testing. Allele origin: germline.
Comment: This missense variant replaces methionine with arginine at codon 1493 of the RYR1 protein. Computational prediction suggests that this variant may have deleterious impact on protein structure and function. To our knowledge, functional studies have not been reported for this variant. This variant has been reported in the North American Malignant Hyperthermia Registry (PMID: 31559918). This variant has not been identified in the general population by the Genome Aggregation Database (gnomAD). The available evidence is insufficient to determine the role of this variant in disease conclusively. Therefore, this variant is classified as a Variant of Uncertain Significance.

Revvity Omics, Revvity
Classification: Uncertain significance. Last evaluated: 2019-11-26. Review status: criteria provided, single submitter. Criteria: ACMG Guidelines, 2015. Collection method: clinical testing. Allele origin: germline.

PreventionGenetics, part of Exact Sciences
Classification: Uncertain significance. Last evaluated: 2017-09-27. Review status: criteria provided, single submitter. Criteria: ACMG Guidelines, 2015. Collection method: clinical testing. Allele origin: germline.

Literature cited by the submitters: PubMed 31559918 (cited by Color Diagnostics, LLC DBA Color Health).

NM_000540.3(RYR1):c.4478T>G (p.Met1493Arg)

Gene: RYR1 (ryanodine receptor 1; plus strand). Cytogenetic location: 19q13.2.
Variant type: single nucleotide variant.
Coding change: c.4478T>G on transcript NM_000540.3 (MANE Select); coding-DNA position 4478, T replaced by G.
Protein change: p.Met1493Arg; replaces methionine 1493 with arginine.
Molecular consequence: missense variant.
Genome position (GRCh38, 1-based): chr19:38,478,458, T>G. VCF-style: chr19-38478458-T-G. GRCh37 (hg19) VCF-style: chr19-38969098-T-G.
Other names: c.4478T>G, p.Met1493Arg (NM_001042723.2); short protein forms M1493R.
Identifiers: ClinVar variation 590533 (VCV000590533.18), dbSNP rs1568476094, ClinGen allele CA405646852.